The following is an entry in ClinVar:

NM_001004356.3(FGFRL1):c.88A>G (p.Lys30Glu)

Gene: FGFRL1 (fibroblast growth factor receptor like 1; plus strand). Cytogenetic location: 4p16.3.
Variant type: single nucleotide variant.
Coding change: c.88A>G on transcript NM_001004356.3 (MANE Select); coding-DNA position 88, A replaced by G.
Protein change: p.Lys30Glu; replaces lysine 30 with glutamic acid.
Molecular consequence: missense variant.
Genome position (GRCh38, 1-based): chr4:1,022,211, A>G. VCF-style: chr4-1022211-A-G. GRCh37 (hg19) VCF-style: chr4-1015999-A-G.
Other names: c.88A>G (NM_001004356.2); c.88A>G, p.Lys30Glu (NM_001004358.1, NM_001370296.1, NM_021923.3); short protein forms K30E.
Identifiers: ClinVar variation 1504246 (VCV001504246.7), dbSNP rs761850703, ClinGen allele CA2802572.

ClinVar aggregate classification (germline): Uncertain significance. Review status: criteria provided, multiple submitters, no conflicts (2 of 4 stars). 2 submissions from 2 submitters: Uncertain significance (2). Last evaluated 2024-06-25.

Allele frequency attached by ClinVar (database versions not stated): gnomAD exomes 0.00002; TOPMed 0.00002; ExAC 0.00003; gnomAD 0.00004.

Submissions (2):

Ambry Genetics
Classification: Uncertain significance. Last evaluated: 2024-06-25. Review status: criteria provided, single submitter. Criteria: Ambry Variant Classification Scheme 2023. Collection method: clinical testing. Allele origin: germline.

Labcorp Genetics (formerly Invitae), Labcorp
Classification: Uncertain significance. Last evaluated: 2021-11-10. Review status: criteria provided, single submitter. Criteria: Invitae Variant Classification Sherloc (09022015). Collection method: clinical testing. Allele origin: germline.
Comment: In summary, the available evidence is currently insufficient to determine the role of this variant in disease. Therefore, it has been classified as a Variant of Uncertain Significance. Algorithms developed to predict the effect of missense changes on protein structure and function (SIFT, PolyPhen-2, Align-GVGD) all suggest that this variant is likely to be tolerated. This variant has not been reported in the literature in individuals affected with FGFRL1-related conditions. The frequency data for this variant in the population databases is considered unreliable, as metrics indicate poor data quality at this position in the gnomAD database. This sequence change replaces lysine, which is basic and polar, with glutamic acid, which is acidic and polar, at codon 30 of the FGFRL1 protein (p.Lys30Glu).